The following is an entry in ClinVar:

NM_201548.5(CERKL):c.91G>A (p.Ala31Thr)

Gene: CERKL (CERK like autophagy regulator; minus strand). Cytogenetic location: 2q31.3.
Variant type: single nucleotide variant.
Coding change: c.91G>A on transcript NM_201548.5 (MANE Select); coding-DNA position 91, G replaced by A.
Protein change: p.Ala31Thr; replaces alanine 31 with threonine.
Molecular consequence: missense variant. On other transcripts: non-coding transcript variant (2).
Genome position (GRCh38, 1-based): chr2:181,656,916, C>T on the plus strand (G>A on the coding strand, the complement: CERKL is on the minus strand). VCF-style: chr2-181656916-C-T. GRCh37 (hg19) VCF-style: chr2-182521643-C-T.
Other names: c.91G>A, p.Ala31Thr (NM_001030311.3, NM_001030312.3, NM_001030313.3 and 1 more transcripts); c.91G>A (NM_001030311.2); short protein forms A31T.
Identifiers: ClinVar variation 1433918 (VCV001433918.5), dbSNP rs762685287, ClinGen allele CA2010955.

ClinVar aggregate classification (germline): Uncertain significance. Review status: criteria provided, multiple submitters, no conflicts (2 of 4 stars). 3 submissions from 3 submitters: Uncertain significance (3). Last evaluated 2023-05-30.

Conditions:
Inborn genetic diseases. Identifiers: MedGen C0950123, MeSH D030342.

Allele frequency attached by ClinVar (database versions not stated): gnomAD exomes 0.00002 and 0.00005; ExAC 0.00003; TOPMed 0.00004; gnomAD 0.00005 and 0.00006.
gnomAD v4.1: 80 of 1,600,930 alleles (0.005%); highest among the groups gnomAD compares: African/African-American, 0.0081%; no homozygotes.

Submissions (3):

Ambry Genetics
Classification: Uncertain significance for Inborn genetic diseases. Last evaluated: 2023-05-30. Review status: criteria provided, single submitter. Criteria: Ambry Variant Classification Scheme 2023. Collection method: clinical testing. Allele origin: germline.

Blueprint Genetics
Classification: Uncertain significance. Last evaluated: 2023-02-09. Review status: criteria provided, single submitter. Criteria: ACMG Guidelines, 2015. Collection method: clinical testing. Allele origin: germline.

Labcorp Genetics (formerly Invitae), Labcorp
Classification: Uncertain significance. Last evaluated: 2022-08-16. Review status: criteria provided, single submitter. Criteria: Invitae Variant Classification Sherloc (09022015). Collection method: clinical testing. Allele origin: germline.
Comment: This sequence change replaces alanine, which is neutral and non-polar, with threonine, which is neutral and polar, at codon 31 of the CERKL protein (p.Ala31Thr). This variant is present in population databases (rs762685287, gnomAD 0.005%). This variant has not been reported in the literature in individuals affected with CERKL-related conditions. ClinVar contains an entry for this variant (Variation ID: 1433918). Algorithms developed to predict the effect of missense changes on protein structure and function (SIFT, PolyPhen-2, Align-GVGD) all suggest that this variant is likely to be tolerated. In summary, the available evidence is currently insufficient to determine the role of this variant in disease. Therefore, it has been classified as a Variant of Uncertain Significance.